The following is an entry in ClinVar:

NM_052947.4(ALPK2):c.6022G>T (p.Val2008Leu)

Gene: ALPK2 (alpha kinase 2; minus strand). Cytogenetic location: 18q21.31.
Variant type: single nucleotide variant.
Coding change: c.6022G>T on transcript NM_052947.4 (MANE Select); coding-DNA position 6022, G replaced by T.
Protein change: p.Val2008Leu; replaces valine 2008 with leucine.
Molecular consequence: missense variant.
Genome position (GRCh38, 1-based): chr18:58,515,000, C>A on the plus strand (G>T on the coding strand, the complement: ALPK2 is on the minus strand). VCF-style: chr18-58515000-C-A. GRCh37 (hg19) VCF-style: chr18-56182232-C-A.
Other names: short protein forms V2008L.
Identifiers: ClinVar variation 3290614 (VCV003290614.1).

ClinVar aggregate classification (germline): Uncertain significance (1 of 4 stars; one submission).

Submission:

Ambry Genetics
Classification: Uncertain significance. Last evaluated: 2024-05-31. Review status: criteria provided, single submitter. Criteria: Ambry Variant Classification Scheme 2023. Collection method: clinical testing. Allele origin: germline.
Comment: The p.V2008L variant (also known as c.6022G>T), located in coding exon 9 of the ALPK2 gene, results from a G to T substitution at nucleotide position 6022. The valine at codon 2008 is replaced by leucine, an amino acid with highly similar properties. This amino acid position is conserved. In addition, this alteration is predicted to be tolerated by in silico analysis. Based on the available evidence, the clinical significance of this variant remains unclear.